The following is an entry in ClinVar:

ClinVar aggregate classification (germline): Benign (1 of 4 stars; one submission).

Conditions:
Diamond-Blackfan anemia 10 (DBA10). Also called: RPS26-Related Diamond-Blackfan Anemia. Identifiers: Orphanet 124, MedGen C2750080, MONDO:0013217, OMIM 613309.

Allele frequency attached by ClinVar (database versions not stated): TOPMed 0.00209; 1000 Genomes Project 30x 0.00375; 1000 Genomes Project 0.00379.
gnomAD v4.1: 695 of 661,084 alleles (0.11%); highest among the groups gnomAD compares: East Asian, 1.7%; 9 homozygotes.

Submission:

Illumina Laboratory Services, Illumina
Classification: Benign for Diamond-Blackfan anemia 10. Last evaluated: 2018-01-13. Review status: criteria provided, single submitter. Criteria: ICSL Variant Classification Criteria 13 December 2019. Collection method: clinical testing. Allele origin: germline.
Comment: This variant was observed in the ICSL laboratory as part of a predisposition screen in an ostensibly healthy population. It had not been previously curated by ICSL or reported in the Human Gene Mutation Database (HGMD: prior to June 1st, 2018), and was therefore a candidate for classification through an automated scoring system. Utilizing variant allele frequency, disease prevalence and penetrance estimates, and inheritance mode, an automated score was calculated to assess if this variant is too frequent to cause the disease. Based on the score and internal cut-off values, a variant classified as benign is not then subjected to further curation. The score for this variant resulted in a classification of benign for this disease.

NM_001029.5(RPS26):c.-209T>G

Gene: RPS26 (ribosomal protein S26; plus strand). Cytogenetic location: 12q13.2.
Variant type: single nucleotide variant.
Coding change: c.-209T>G on transcript NM_001029.5 (MANE Select); 209 bases upstream of the start codon, T replaced by G.
Molecular consequence: 5 prime UTR variant.
Genome position (GRCh38, 1-based): chr12:56,041,958, T>G. VCF-style: chr12-56041958-T-G. GRCh37 (hg19) VCF-style: chr12-56435742-T-G.
Other names: c.-209T>G (LRG_1146t1).
Identifiers: ClinVar variation 309850 (VCV000309850.5), dbSNP rs78108003, ClinGen allele CA10633311.